The following is an entry in ClinVar:

ClinVar aggregate classification (germline): Uncertain significance (1 of 4 stars; one submission).

Conditions:
Cardiovascular phenotype. Identifiers: MedGen CN230736.

Submission:

Ambry Genetics
Classification: Uncertain significance for Cardiovascular phenotype. Last evaluated: 2024-01-29. Review status: criteria provided, single submitter. Criteria: Ambry Variant Classification Scheme 2023. Collection method: clinical testing. Allele origin: germline.
Comment: The p.I596F variant (also known as c.1786A>T), located in coding exon 10 of the SOS2 gene, results from an A to T substitution at nucleotide position 1786. The isoleucine at codon 596 is replaced by phenylalanine, an amino acid with highly similar properties. This amino acid position is conserved. In addition, the in silico prediction for this alteration is inconclusive. Based on the available evidence, the clinical significance of this alteration remains unclear.

NM_006939.4(SOS2):c.1786A>T (p.Ile596Phe)

Gene: SOS2 (SOS Ras/Rho guanine nucleotide exchange factor 2; minus strand). Cytogenetic location: 14q21.3.
Variant type: single nucleotide variant.
Coding change: c.1786A>T on transcript NM_006939.4 (MANE Select); coding-DNA position 1786, A replaced by T.
Protein change: p.Ile596Phe; replaces isoleucine 596 with phenylalanine.
Molecular consequence: missense variant.
Genome position (GRCh38, 1-based): chr14:50,159,497, T>A on the plus strand (A>T on the coding strand, the complement: SOS2 is on the minus strand). VCF-style: chr14-50159497-T-A. GRCh37 (hg19) VCF-style: chr14-50626215-T-A.
Other names: c.1687A>T, p.Ile563Phe (NM_001411020.1); short protein forms I563F, I596F.
Identifiers: ClinVar variation 3225957 (VCV003225957.1), dbSNP rs2502987934, ClinGen allele CA389644971.
Genomic context (GRCh38, chr14:50,159,497, plus strand): 5'-ACATATGATATGTTAACCTTTCAATTAATTTCACTACAGTTCCTCCTTTAATAATGGGGA[T>A]GCCACTTCTACTTTGCAAGTTGTCTTCAAAAACAATGTTTTCCTCAGAGTCTTTTACTAC-3'
Protein context (NP_008870.2, residues 586-606): FEDNLQSRSG[Ile596Phe]PIIKGGTVVK